The following is an entry in ClinVar:

NM_005219.5(DIAPH1):c.2974A>G (p.Arg992Gly)

Gene: DIAPH1 (diaphanous related formin 1; minus strand). Cytogenetic location: 5q31.3.
Variant type: single nucleotide variant.
Coding change: c.2974A>G on transcript NM_005219.5 (MANE Select); coding-DNA position 2974, A replaced by G.
Protein change: p.Arg992Gly; replaces arginine 992 with glycine.
Molecular consequence: missense variant.
Genome position (GRCh38, 1-based): chr5:141,528,746, T>C on the plus strand (A>G on the coding strand, the complement: DIAPH1 is on the minus strand). VCF-style: chr5-141528746-T-C. GRCh37 (hg19) VCF-style: chr5-140908313-T-C.
Other names: c.2947A>G, p.Arg983Gly (NM_001079812.3); c.2974A>G, p.Arg992Gly (NM_001314007.2); short protein forms R992G, R983G.
Identifiers: ClinVar variation 1492411 (VCV001492411.6), dbSNP rs2154595000, ClinGen allele CA361584028.

ClinVar aggregate classification (germline): Uncertain significance (1 of 4 stars; one submission).

Conditions:
Autosomal dominant nonsyndromic hearing loss 1. Also called: DEAFNESS, AUTOSOMAL DOMINANT 1, WITH OR WITHOUT THROMBOCYTOPENIA; KONIGSMARK SYNDROME. Identifiers: Orphanet 90635, MedGen C1852282, MONDO:0007424, OMIM 124900.
Progressive microcephaly-seizures-cortical blindness-developmental delay syndrome. Also called: Seizures, cortical blindness, and microcephaly syndrome. Identifiers: Orphanet 477814, MedGen C5567650, MONDO:0014714, OMIM 616632.

Submission:

Labcorp Genetics (formerly Invitae), Labcorp
Classification: Uncertain significance for Progressive microcephaly-seizures-cortical blindness-developmental delay syndrome; Autosomal dominant nonsyndromic hearing loss 1. Last evaluated: 2021-09-17. Review status: criteria provided, single submitter. Criteria: Invitae Variant Classification Sherloc (09022015). Collection method: clinical testing. Allele origin: germline.
Comment: This variant has not been reported in the literature in individuals affected with DIAPH1-related conditions. Algorithms developed to predict the effect of missense changes on protein structure and function are either unavailable or do not agree on the potential impact of this missense change (SIFT: "Deleterious"; PolyPhen-2: "Probably Damaging"; Align-GVGD: "Class C0"). In summary, the available evidence is currently insufficient to determine the role of this variant in disease. Therefore, it has been classified as a Variant of Uncertain Significance. This variant is not present in population databases (ExAC no frequency). This sequence change replaces arginine with glycine at codon 992 of the DIAPH1 protein (p.Arg992Gly). The arginine residue is moderately conserved and there is a moderate physicochemical difference between arginine and glycine.